The following is an entry in ClinVar:

ClinVar aggregate classification (germline): Uncertain significance (1 of 4 stars; one submission).

Conditions:
Developmental and epileptic encephalopathy, 25 (DEE25). Also called: Developmental and epileptic encephalopathy 25, with amelogenesis imperfecta; Epileptic encephalopathy, early infantile, 25, with amelogenesis imperfecta; Epileptic encephalopathy, early infantile, 25. Identifiers: Orphanet 442835, MedGen C4014621, MONDO:0014392, OMIM 615905.

Allele frequency attached by ClinVar (database versions not stated): gnomAD exomes below 0.00001; gnomAD 0.00001; TOPMed 0.00001.
gnomAD v4.1: 3 of 1,614,004 alleles (0.00019%); highest among the groups gnomAD compares: African/African-American, 0.0027%; no homozygotes.

Submission:

Labcorp Genetics (formerly Invitae), Labcorp
Classification: Uncertain significance for Developmental and epileptic encephalopathy, 25. Last evaluated: 2025-06-16. Review status: criteria provided, single submitter. Criteria: Invitae Variant Classification Sherloc (09022015). Collection method: clinical testing. Allele origin: germline.
Comment: This sequence change replaces valine, which is neutral and non-polar, with methionine, which is neutral and non-polar, at codon 301 of the SLC13A5 protein (p.Val301Met). This variant is not present in population databases (gnomAD no frequency). This variant has not been reported in the literature in individuals affected with SLC13A5-related conditions. ClinVar contains an entry for this variant (Variation ID: 1014660). Invitae Evidence Modeling of protein sequence and biophysical properties (such as structural, functional, and spatial information, amino acid conservation, physicochemical variation, residue mobility, and thermodynamic stability) indicates that this missense variant is not expected to disrupt SLC13A5 protein function with a negative predictive value of 80%. In summary, the available evidence is currently insufficient to determine the role of this variant in disease. Therefore, it has been classified as a Variant of Uncertain Significance.

NM_177550.5(SLC13A5):c.901G>A (p.Val301Met)

Gene: SLC13A5 (solute carrier family 13 member 5; minus strand). Cytogenetic location: 17p13.1.
Variant type: single nucleotide variant.
Coding change: c.901G>A on transcript NM_177550.5 (MANE Select); coding-DNA position 901, G replaced by A.
Protein change: p.Val301Met; replaces valine 301 with methionine.
Molecular consequence: missense variant.
Genome position (GRCh38, 1-based): chr17:6,695,880, C>T on the plus strand (G>A on the coding strand, the complement: SLC13A5 is on the minus strand). VCF-style: chr17-6695880-C-T. GRCh37 (hg19) VCF-style: chr17-6599199-C-T.
Other names: c.901G>A, p.Val301Met (NM_001143838.3); c.850G>A, p.Val284Met (NM_001284509.2); c.772G>A, p.Val258Met (NM_001284510.2); short protein forms V258M, V284M, V301M.
Identifiers: ClinVar variation 1014660 (VCV001014660.8), dbSNP rs1973547380, ClinGen allele CA397744714.
Genomic context (GRCh38, chr17:6,695,880, plus strand): 5'-TCAGCACGTTGATCTCCGCGAAGGACAAGGGCCCCAGCTTCCGGTACTCCTCCTGCAGCA[C>T]CTTGAGGGCAGCCTTCTCGTTTTTCTTGCTCTCTAGCCCGCAGCCCCAGGACTTTTTAAA-3'
Protein context (NP_808218.1, residues 291-311): SKKNEKAALK[Val301Met]LQEEYRKLGP